The following is an entry in ClinVar:

ClinVar aggregate classification (germline): Pathogenic (1 of 4 stars; one submission).

Submission:

ARUP Laboratories, Molecular Genetics and Genomics, ARUP Laboratories
Classification: Pathogenic. Last evaluated: 2025-03-31. Review status: criteria provided, single submitter. Criteria: ARUP Molecular Germline Variant Investigation Process 2024. Collection method: clinical testing. Allele origin: germline.
Comment: The KRIT1 c.1688_1689del; p.Tyr563TrpfsTer4 variant (rs766715669) is reported in the literature in individuals affected with cerebral cavernous malformations (Denier 2004, Fusco 2019, Nardella 2018). This variant is only observed on one allele in the Genome Aggregation Database (v2.1.1), indicating it is not a common polymorphism. This variant causes a frameshift by deleting two nucleotides, so it is predicted to result in a truncated protein or mRNA subject to nonsense-mediated decay. Based on available information, this variant is considered to be pathogenic. References: Denier C et al. Clinical features of cerebral cavernous malformations patients with KRIT1 mutations. Ann Neurol. 2004 Feb;55(2):213-20. PMID: 14755725. Fusco C et al. Molecular diagnostic workflow, clinical interpretation of sequence variants, and data repository procedures in 140 individuals with familial cerebral cavernous malformations. Hum Mutat. 2019 Nov;40(11):e24-e36. PMID: 31254430. Nardella G et al. A single-center study on 140 patients with cerebral cavernous malformations: 28 new pathogenic variants and functional characterization of a PDCD10 large deletion. Hum Mutat. 2018 Dec;39(12):1885-1900. PMID: 30161288.

NM_194454.3(KRIT1):c.1688_1689del (p.Tyr563fs)

Gene: KRIT1 (KRIT1 ankyrin repeat containing; minus strand). Cytogenetic location: 7q21.2.
Variant type: Deletion.
Coding change: c.1688_1689del on transcript NM_194454.3 (MANE Select); coding-DNA positions 1688 to 1689, 2 bases deleted (AT; older notation c.1688_1689delAT).
Protein change: p.Tyr563fs; shifts the reading frame from tyrosine 563.
Molecular consequence: frameshift variant.
Genome position (GRCh38, 1-based): chr7:92,214,652-92,214,653, AT deleted on the plus strand (AT on the coding strand, the reverse complement: KRIT1 is on the minus strand); deleting any 2 consecutive bases within chr7:92,214,652-92,214,654 gives the same sequence; the c. name uses the placement nearest the transcript's 3' end. VCF-style (leftmost placement, unchanged base first): chr7-92214651-CAT-C. GRCh37 (hg19) VCF-style: chr7-91843965-CAT-C.
Other names: c.1544_1545del, p.Tyr515fs (NM_001013406.2, NM_001350669.1, NM_001350670.1); c.974_975del, p.Tyr325fs (NM_001350671.1); c.1688_1689del, p.Tyr563fs (NM_001350672.1, NM_001350673.1, NM_001350674.1 and 26 more transcripts); short protein forms Y325fs, Y515fs, Y563fs.
Identifiers: ClinVar variation 4685719 (VCV004685719.1).